The following is an entry in ClinVar:

ClinVar aggregate classification (germline): Uncertain significance (1 of 4 stars; one submission).

Conditions:
Hereditary cancer-predisposing syndrome. Also called: Hereditary neoplastic syndrome; Tumor predisposition; Hereditary Cancer Syndrome; Neoplastic Syndromes, Hereditary. Identifiers: Orphanet 140162, MedGen C0027672, MeSH D009386, MONDO:0015356.

Submission:

Ambry Genetics
Classification: Uncertain significance for Hereditary cancer-predisposing syndrome. Last evaluated: 2023-06-23. Review status: criteria provided, single submitter. Criteria: Ambry Variant Classification Scheme 2023. Collection method: clinical testing. Allele origin: germline.
Comment: The p.L2072F variant (also known as c.6216A>T), located in coding exon 15 of the APC gene, results from an A to T substitution at nucleotide position 6216. The leucine at codon 2072 is replaced by phenylalanine, an amino acid with highly similar properties. This amino acid position is conserved. In addition, in silico predictors for this gene do not accurately predict pathogenicity. Since supporting evidence is limited at this time, the clinical significance of this alteration remains unclear.

NM_000038.6(APC):c.6216A>T (p.Leu2072Phe)

Gene: APC (APC regulator of Wnt signaling pathway; plus strand). Cytogenetic location: 5q22.2.
Variant type: single nucleotide variant.
Coding change: c.6216A>T on transcript NM_000038.6 (MANE Select); coding-DNA position 6216, A replaced by T.
Protein change: p.Leu2072Phe; replaces leucine 2072 with phenylalanine.
Molecular consequence: missense variant. On other transcripts: non-coding transcript variant (2).
Genome position (GRCh38, 1-based): chr5:112,841,810, A>T. VCF-style: chr5-112841810-A-T. GRCh37 (hg19) VCF-style: chr5-112177507-A-T.
Other names: c.6216A>T, p.Leu2072Phe (NM_001127510.3, NM_001354895.2, NM_001407450.1); c.6162A>T, p.Leu2054Phe (NM_001127511.3); c.6270A>T, p.Leu2090Phe (NM_001354896.2, NM_001407447.1, NM_001407448.1 and 1 more transcripts); c.6246A>T, p.Leu2082Phe (NM_001354897.2); c.6141A>T, p.Leu2047Phe (NM_001354898.2); c.6132A>T, p.Leu2044Phe (NM_001354899.2); c.6093A>T, p.Leu2031Phe (NM_001354900.2); c.6039A>T, p.Leu2013Phe (NM_001354901.2, NM_001407453.1); and 11 more; short protein forms L1989F, L2065F, L2090F, L1688F, L1946F, L2047F, L2072F, L1943F.
Identifiers: ClinVar variation 2586985 (VCV002586985.2), dbSNP rs2533698686, ClinGen allele CA16034947.